The following is an entry in ClinVar:

ClinVar aggregate classification (germline): Uncertain significance. Review status: criteria provided, multiple submitters, no conflicts (2 of 4 stars). 2 submissions from 2 submitters: Uncertain significance (2). Last evaluated 2026-03-06.

Conditions:
Dyskeratosis congenita, autosomal dominant 2. Identifiers: MedGen C3151443, MONDO:0013521, OMIM 613989.
Idiopathic Pulmonary Fibrosis. Also called: Idiopathic fibrosing alveolitis, chronic form; idiopathic fibrosing alveolitis. Identifiers: Orphanet 2032, MedGen C1800706, MeSH D054990, MONDO:0800504.
Dyskeratosis congenita. Identifiers: Orphanet 1775, MedGen C0265965, MONDO:0015780.

Submissions (2):

Ambry Genetics
Classification: Uncertain significance for Dyskeratosis congenita. Last evaluated: 2026-03-06. Review status: criteria provided, single submitter. Criteria: Ambry Variant Classification Scheme 2023. Collection method: clinical testing. Allele origin: germline.
Comment: The p.A242S variant (also known as c.724G>T), located in coding exon 2 of the TERT gene, results from a G to T substitution at nucleotide position 724. The alanine at codon 242 is replaced by serine, an amino acid with similar properties. This amino acid position is conserved. In addition, this alteration is predicted to be tolerated by in silico analysis. Based on the available evidence, the clinical significance of this variant remains unclear.

Labcorp Genetics (formerly Invitae), Labcorp
Classification: Uncertain significance for Dyskeratosis congenita, autosomal dominant 2; Idiopathic Pulmonary Fibrosis. Last evaluated: 2024-11-10. Review status: criteria provided, single submitter. Criteria: Invitae Variant Classification Sherloc (09022015). Collection method: clinical testing. Allele origin: germline.
Comment: This sequence change replaces alanine, which is neutral and non-polar, with serine, which is neutral and polar, at codon 242 of the TERT protein (p.Ala242Ser). This variant is not present in population databases (gnomAD no frequency). This variant has not been reported in the literature in individuals affected with TERT-related conditions. Invitae Evidence Modeling of protein sequence and biophysical properties (such as structural, functional, and spatial information, amino acid conservation, physicochemical variation, residue mobility, and thermodynamic stability) indicates that this missense variant is not expected to disrupt TERT protein function with a negative predictive value of 95%. In summary, the available evidence is currently insufficient to determine the role of this variant in disease. Therefore, it has been classified as a Variant of Uncertain Significance.

NM_198253.3(TERT):c.724G>T (p.Ala242Ser)

Gene: TERT (telomerase reverse transcriptase; minus strand). Cytogenetic location: 5p15.33.
Variant type: single nucleotide variant.
Coding change: c.724G>T on transcript NM_198253.3 (MANE Select); coding-DNA position 724, G replaced by T.
Protein change: p.Ala242Ser; replaces alanine 242 with serine.
Molecular consequence: missense variant. On other transcripts: non-coding transcript variant (2).
Genome position (GRCh38, 1-based): chr5:1,294,162, C>A on the plus strand (G>T on the coding strand, the complement: TERT is on the minus strand). VCF-style: chr5-1294162-C-A. GRCh37 (hg19) VCF-style: chr5-1294277-C-A.
Other names: c.724G>T, p.Ala242Ser (NM_001193376.3); short protein forms A242S.
Identifiers: ClinVar variation 3759135 (VCV003759135.3).